The following is an entry in ClinVar:

ClinVar aggregate classification (germline): Uncertain significance (1 of 4 stars; one submission).

Conditions:
Adenylosuccinate lyase deficiency (ADSLD). Also called: ADSL DEFICIENCY. Identifiers: Orphanet 46, MedGen C0268126, MONDO:0007068, OMIM 103050.

Allele frequency attached by ClinVar (database versions not stated): gnomAD 0.00009.

Submission:

Labcorp Genetics (formerly Invitae), Labcorp
Classification: Uncertain significance for Adenylosuccinate lyase deficiency. Last evaluated: 2023-12-18. Review status: criteria provided, single submitter. Criteria: Invitae Variant Classification Sherloc (09022015). Collection method: clinical testing. Allele origin: germline.
Comment: This variant occurs in a non-coding region of the ADSL gene. It does not change the encoded amino acid sequence of the ADSL protein. The frequency data for this variant in the population databases is considered unreliable, as metrics indicate poor data quality at this position in the gnomAD database. This variant has not been reported in the literature in individuals affected with ADSL-related conditions. Experimental studies and prediction algorithms are not available or were not evaluated, and the functional significance of this variant is currently unknown. In summary, the available evidence is currently insufficient to determine the role of this variant in disease. Therefore, it has been classified as a Variant of Uncertain Significance.

NC_000022.11:g.40346141T>A

Gene: ADSL (adenylosuccinate lyase; plus strand). Cytogenetic location: 22q13.1.
Variant type: single nucleotide variant.
Genome position: GRCh38 VCF-style: chr22-40346141-T-A. GRCh37 (hg19) VCF-style: chr22-40742145-T-A.
Identifiers: ClinVar variation 1419216 (VCV001419216.4), dbSNP rs1261528478, ClinGen allele CA639408028.